The following is an entry in ClinVar:

ClinVar aggregate classification (germline): Uncertain significance (1 of 4 stars; one submission).

Allele frequency attached by ClinVar (database versions not stated): gnomAD exomes below 0.00001.

Submission:

Labcorp Genetics (formerly Invitae), Labcorp
Classification: Uncertain significance. Last evaluated: 2022-11-07. Review status: criteria provided, single submitter. Criteria: Invitae Variant Classification Sherloc (09022015). Collection method: clinical testing. Allele origin: germline.
Comment: In summary, the available evidence is currently insufficient to determine the role of this variant in disease. Therefore, it has been classified as a Variant of Uncertain Significance. Algorithms developed to predict the effect of missense changes on protein structure and function are either unavailable or do not agree on the potential impact of this missense change (SIFT: "Tolerated"; PolyPhen-2: "Not Available"; Align-GVGD: "Class C0"). ClinVar contains an entry for this variant (Variation ID: 1362180). This variant has not been reported in the literature in individuals affected with PCLO-related conditions. This variant is not present in population databases (gnomAD no frequency). This sequence change replaces methionine, which is neutral and non-polar, with valine, which is neutral and non-polar, at codon 3068 of the PCLO protein (p.Met3068Val).

NM_033026.6(PCLO):c.9202A>G (p.Met3068Val)

Gene: PCLO (piccolo presynaptic cytomatrix protein; minus strand). Cytogenetic location: 7q21.11.
Variant type: single nucleotide variant.
Coding change: c.9202A>G on transcript NM_033026.6 (MANE Select); coding-DNA position 9202, A replaced by G.
Protein change: p.Met3068Val; replaces methionine 3068 with valine.
Molecular consequence: missense variant.
Genome position (GRCh38, 1-based): chr7:82,951,386, T>C on the plus strand (A>G on the coding strand, the complement: PCLO is on the minus strand). VCF-style: chr7-82951386-T-C. GRCh37 (hg19) VCF-style: chr7-82580702-T-C.
Other names: c.9202A>G, p.Met3068Val (NM_014510.3); short protein forms M3068V.
Identifiers: ClinVar variation 1362180 (VCV001362180.8), dbSNP rs2116427299, ClinGen allele CA367908988.